The following is an entry in ClinVar:

ClinVar aggregate classification (germline): Uncertain significance (1 of 4 stars; one submission).

Conditions:
Hereditary cancer-predisposing syndrome. Also called: Neoplastic Syndromes, Hereditary; Tumor predisposition; Hereditary Cancer Syndrome; Hereditary neoplastic syndrome. Identifiers: Orphanet 140162, MedGen C0027672, MeSH D009386, MONDO:0015356.

Submission:

Color Diagnostics, LLC DBA Color Health
Classification: Uncertain significance for Hereditary cancer-predisposing syndrome. Last evaluated: 2023-12-04. Review status: criteria provided, single submitter. Criteria: ACMG Guidelines, 2015. Collection method: clinical testing. Allele origin: germline.
Comment: This missense variant replaces tryptophan with arginine at codon 2725 of the BRCA2 protein. Computational prediction suggests that this variant may have deleterious impact on protein structure and function (internally defined REVEL score threshold >= 0.7, PMID: 27666373). To our knowledge, functional studies have not been reported for this variant. This variant has not been reported in individuals affected with BRCA2-related disorders in the literature. This variant has not been identified in the general population by the Genome Aggregation Database (gnomAD). The available evidence is insufficient to determine the role of this variant in disease conclusively. Therefore, this variant is classified as a Variant of Uncertain Significance.

NM_000059.4(BRCA2):c.8173T>C (p.Trp2725Arg)

Gene: BRCA2 (BRCA2 DNA repair associated; plus strand). Cytogenetic location: 13q13.1.
Variant type: single nucleotide variant.
Coding change: c.8173T>C on transcript NM_000059.4 (MANE Select); coding-DNA position 8173, T replaced by C.
Protein change: p.Trp2725Arg; replaces tryptophan 2725 with arginine.
Molecular consequence: missense variant. On other transcripts: non-coding transcript variant (1).
Genome position (GRCh38, 1-based): chr13:32,363,375, T>C. VCF-style: chr13-32363375-T-C. GRCh37 (hg19) VCF-style: chr13-32937512-T-C.
Other names: c.8077T>C, p.Trp2693Arg (NM_001406719.1); c.8173T>C, p.Trp2725Arg (NM_001406720.1); c.3241T>C, p.Trp1081Arg (NM_001406721.1); c.1756T>C, p.Trp586Arg (NM_001406722.1); short protein forms W2725R, W586R, W2693R, W1081R.
Identifiers: ClinVar variation 2774950 (VCV002774950.2), dbSNP rs2137581408, ClinGen allele CA387749610.
Genomic context (GRCh38, chr13:32,363,375, plus strand): 5'-AGCAATAAAACTAGTAGTGCAGATACCCAAAAAGTGGCCATTATTGAACTTACAGATGGG[T>C]GGTATGCTGTTAAGGCCCAGTTAGATCCTCCCCTCTTAGCTGTCTTAAAGAATGGCAGAC-3'
Protein context (NP_000050.3, residues 2715-2735): KVAIIELTDG[Trp2725Arg]YAVKAQLDPP